The following is an entry in ClinVar:

ClinVar aggregate classification (germline): Benign/Likely benign. Review status: criteria provided, multiple submitters, no conflicts (2 of 4 stars). 6 submissions from 6 submitters: Benign (2); Likely benign (3). 1 of the submissions does not count toward it. Last evaluated 2025-05-05.

Conditions:
Long QT syndrome (LQTS). Identifiers: MedGen C0023976, MeSH D008133, MONDO:0002442. Disease mechanism: loss of function. Inheritance: Various modes of inheritance.
Long QT syndrome 11 (LQT11). Identifiers: Orphanet 101016, Orphanet 768, MedGen C2678483, MONDO:0012738, OMIM 611820.
AKAP9-related disorder. Also called: AKAP9-related condition.
Cardiovascular phenotype. Identifiers: MedGen CN230736.

Allele frequency attached by ClinVar (database versions not stated): gnomAD exomes 0.00001; TOPMed 0.00002; ExAC 0.00005.
gnomAD v4.1: 26 of 1,614,090 alleles (0.0016%); highest among the groups gnomAD compares: Admixed American, 0.0067%; no homozygotes.

Submissions (6):

Labcorp Genetics (formerly Invitae), Labcorp
Classification: Likely benign for Long QT syndrome. Last evaluated: 2025-05-05. Review status: criteria provided, single submitter. Criteria: Invitae Variant Classification Sherloc (09022015). Collection method: clinical testing. Allele origin: germline.

Blueprint Genetics
Classification: Likely benign. Last evaluated: 2024-11-27. Review status: criteria provided, single submitter. Criteria: ACMG Guidelines, 2015. Collection method: clinical testing. Allele origin: germline.

Genome-Nilou Lab
Classification: Benign for Long QT syndrome 11. Last evaluated: 2021-12-05. Review status: criteria provided, single submitter. Criteria: ACMG Guidelines, 2015. Collection method: clinical testing. Allele origin: germline. Affected: no.

Ambry Genetics
Classification: Likely benign for Cardiovascular phenotype. Last evaluated: 2020-07-15. Review status: criteria provided, single submitter. Criteria: Ambry Variant Classification Scheme 2023. Collection method: clinical testing. Allele origin: germline.

GeneDx
Classification: Benign. Last evaluated: 2015-03-03. Review status: criteria provided, single submitter. Criteria: GeneDx Variant Classification Process June 2021. Collection method: clinical testing. Allele origin: germline. Affected: yes.

PreventionGenetics, part of Exact Sciences
Classification: Likely benign for AKAP9-related condition. Last evaluated: 2024-02-28. Review status: no assertion criteria provided. Collection method: clinical testing. Allele origin: germline. Not counted in ClinVar's aggregate classification.
Comment: This variant is classified as likely benign based on ACMG/AMP sequence variant interpretation guidelines (Richards et al. 2015 PMID: 25741868, with internal and published modifications).

NM_005751.5(AKAP9):c.11298G>A (p.Arg3766=)

Gene: AKAP9 (A-kinase anchoring protein 9; plus strand). Cytogenetic location: 7q21.2.
Variant type: single nucleotide variant.
Coding change: c.11298G>A on transcript NM_005751.5 (MANE Select); coding-DNA position 11298, G replaced by A.
Protein change: p.Arg3766=; no amino-acid change (arginine 3766 retained).
Molecular consequence: synonymous variant.
Genome position (GRCh38, 1-based): chr7:92,102,794, G>A. VCF-style: chr7-92102794-G-A. GRCh37 (hg19) VCF-style: chr7-91732108-G-A.
Other names: c.5943G>A, p.Arg1981= (NM_001379277.1); c.11274G>A, p.Arg3758= (NM_147185.3).
Identifiers: ClinVar variation 1094662 (VCV001094662.18), dbSNP rs775989174, ClinGen allele CA4338139.